The following is an entry in ClinVar:

ClinVar aggregate classification (germline): Uncertain significance. Review status: criteria provided, multiple submitters, no conflicts (2 of 4 stars). 2 submissions from 2 submitters: Uncertain significance (2). Last evaluated 2022-08-09.

Conditions:
Pontoneocerebellar hypoplasia. Also called: Pontocerebellar hypoplasia; Non-syndromic pontocerebellar hypoplasia. Identifiers: Orphanet 98523, MedGen C1261175, MONDO:0020135.

Allele frequency attached by ClinVar (database versions not stated): TOPMed 0.00002.
gnomAD v4.1: 60 of 1,613,944 alleles (0.0037%); highest among the groups gnomAD compares: Non-Finnish European, 0.0048%; no homozygotes.

Submissions (2):

Labcorp Genetics (formerly Invitae), Labcorp
Classification: Uncertain significance. Last evaluated: 2022-08-09. Review status: criteria provided, single submitter. Criteria: Invitae Variant Classification Sherloc (09022015). Collection method: clinical testing. Allele origin: germline.
Comment: This sequence change replaces proline, which is neutral and non-polar, with arginine, which is basic and polar, at codon 179 of the TSEN54 protein (p.Pro179Arg). This variant is present in population databases (rs376310114, gnomAD 0.004%). This variant has not been reported in the literature in individuals affected with TSEN54-related conditions. ClinVar contains an entry for this variant (Variation ID: 889595). Algorithms developed to predict the effect of missense changes on protein structure and function are either unavailable or do not agree on the potential impact of this missense change (SIFT: "Deleterious"; PolyPhen-2: "Probably Damaging"; Align-GVGD: "Class C0"). Algorithms developed to predict the effect of sequence changes on RNA splicing suggest that this variant may create or strengthen a splice site. In summary, the available evidence is currently insufficient to determine the role of this variant in disease. Therefore, it has been classified as a Variant of Uncertain Significance.

Illumina Laboratory Services, Illumina
Classification: Uncertain significance for Pontoneocerebellar hypoplasia. Last evaluated: 2018-01-13. Review status: criteria provided, single submitter. Criteria: ICSL Variant Classification Criteria 13 December 2019. Collection method: clinical testing. Allele origin: germline.

NM_207346.3(TSEN54):c.536C>G (p.Pro179Arg)

Gene: TSEN54 (tRNA splicing endonuclease subunit 54; plus strand). Cytogenetic location: 17q25.1.
Variant type: single nucleotide variant.
Coding change: c.536C>G on transcript NM_207346.3 (MANE Select); coding-DNA position 536, C replaced by G.
Protein change: p.Pro179Arg; replaces proline 179 with arginine.
Molecular consequence: missense variant.
Genome position (GRCh38, 1-based): chr17:75,521,423, C>G. VCF-style: chr17-75521423-C-G. GRCh37 (hg19) VCF-style: chr17-73517504-C-G.
Other names: short protein forms P179R.
Identifiers: ClinVar variation 889595 (VCV000889595.8), dbSNP rs376310114, ClinGen allele CA8764201.
Genomic context (GRCh38, chr17:75,521,423, plus strand): 5'-GCTGAGGAGGTGGGTCAGTGGCCCACCCGCTGTTCTCACCCCACAGCTCTGTCCTGTCCC[C>G]GTATGAGAGGCAGCTTAACCTGGATGCCAGCGTGCAGCACTTGGAGGATGGAGATGGCAA-3'
Protein context (NP_997229.2, residues 169-189): RRFQPSSVLS[Pro179Arg]YERQLNLDAS